The following is an entry in ClinVar:

NM_022124.6(CDH23):c.2966A>G (p.Asn989Ser)

Gene: CDH23 (cadherin related 23; plus strand). Cytogenetic location: 10q22.1.
Variant type: single nucleotide variant.
Coding change: c.2966A>G on transcript NM_022124.6 (MANE Select); coding-DNA position 2966, A replaced by G.
Protein change: p.Asn989Ser; replaces asparagine 989 with serine.
Molecular consequence: missense variant.
Genome position (GRCh38, 1-based): chr10:71,706,909, A>G. VCF-style: chr10-71706909-A-G. GRCh37 (hg19) VCF-style: chr10-73466666-A-G.
Other names: c.2966A>G, p.Asn989Ser (NM_001171930.2, NM_001171931.2); short protein forms N989S.
Identifiers: ClinVar variation 985688 (VCV000985688.4), dbSNP rs1158243543, ClinGen allele CA377140740.

ClinVar aggregate classification (germline): Uncertain significance (1 of 4 stars; one submission).

Conditions:
Inborn genetic diseases. Identifiers: MedGen C0950123, MeSH D030342.

Allele frequency attached by ClinVar (database versions not stated): TOPMed 0.00001; gnomAD 0.00001.
gnomAD v4.1: 2 of 1,601,538 alleles (0.00012%); highest among the groups gnomAD compares: African/African-American, 0.0027%; no homozygotes.

Submission:

Ambry Genetics
Classification: Uncertain significance for Inborn genetic diseases. Last evaluated: 2022-08-02. Review status: criteria provided, single submitter. Criteria: Ambry Variant Classification Scheme 2023. Collection method: clinical testing. Allele origin: germline.
Comment: The c.2966A>G (p.N989S) alteration is located in exon 26 (coding exon 25) of the CDH23 gene. This alteration results from an A to G substitution at nucleotide position 2966, causing the asparagine (N) at amino acid position 989 to be replaced by a serine (S). This variant was not reported in population-based cohorts in the Genome Aggregation Database (gnomAD). This amino acid position is highly conserved in available vertebrate species. This alteration is predicted to be tolerated by in silico analysis. Based on insufficient or conflicting evidence, the clinical significance of this alteration remains unclear.